The following is an entry in ClinVar:

NM_002439.5(MSH3):c.440C>A (p.Pro147His)

Gene: MSH3 (mutS homolog 3; plus strand). Cytogenetic location: 5q14.1.
Variant type: single nucleotide variant.
Coding change: c.440C>A on transcript NM_002439.5 (MANE Select); coding-DNA position 440, C replaced by A.
Protein change: p.Pro147His; replaces proline 147 with histidine.
Molecular consequence: missense variant.
Genome position (GRCh38, 1-based): chr5:80,665,224, C>A. VCF-style: chr5-80665224-C-A. GRCh37 (hg19) VCF-style: chr5-79961043-C-A.
Other names: short protein forms P147H.
Identifiers: ClinVar variation 4824379 (VCV004824379.1).
Genomic context (GRCh38, chr5:80,665,224, plus strand): 5'-CCAGGAATGTTTCAAAGTCTCTGGAAAAATTGAAAGAATTCTGCTGCGATTCTGCCCTTC[C>A]TCAAAGTAGAGTCCAGACAGAATCTCTGCAGGAGAGATTTGCAGTTCTGCCAAAATGTAC-3'
Protein context (NP_002430.3, residues 137-157): LKEFCCDSAL[Pro147His]QSRVQTESLQ

ClinVar aggregate classification (germline): Uncertain significance (1 of 4 stars; one submission).

Conditions:
Hereditary cancer-predisposing syndrome. Also called: Neoplastic Syndromes, Hereditary; Hereditary neoplastic syndrome; Tumor predisposition; Hereditary Cancer Syndrome. Identifiers: Orphanet 140162, MedGen C0027672, MeSH D009386, MONDO:0015356.

Submission:

Ambry Genetics
Classification: Uncertain significance for Hereditary cancer-predisposing syndrome. Last evaluated: 2026-02-13. Review status: criteria provided, single submitter. Criteria: Ambry Variant Classification Scheme 2023. Collection method: clinical testing. Allele origin: germline.
Comment: The p.P147H variant (also known as c.440C>A), located in coding exon 3 of the MSH3 gene, results from a C to A substitution at nucleotide position 440. The proline at codon 147 is replaced by histidine, an amino acid with similar properties. This amino acid position is well conserved in available vertebrate species. In addition, this alteration is predicted to be tolerated by in silico analysis. Based on the available evidence, the clinical significance of this variant remains unclear.